The following is an entry in ClinVar:

ClinVar aggregate classification (germline): Pathogenic (1 of 4 stars; one submission).

Conditions:
Retinoblastoma (RB1). Also called: RETINOBLASTOMA, SOMATIC. Identifiers: Orphanet 790, MedGen C0035335, MeSH D012175, MONDO:0008380, OMIM 180200, HP:0009919. Disease mechanism: loss of function. Inheritance: Both sporadic and heritable forms are tested..

Submission:

Genetic Diagnostic Laboratory, University of Pennsylvania School of Medicine
Classification: Pathogenic for Retinoblastoma. Last evaluated: 2024-05-20. Review status: criteria provided, single submitter. Criteria: ACMG Guidelines, 2015. Collection method: clinical testing. Allele origin: germline. Affected: yes. Observed: 1 variant allele.
Comment: Case and Pedigree Information: BILATERAL CASES:1, UNILATERAL CASES:0, TOTAL CASES:1, PEDIGREES:1. ACMG Codes Applied:PVS1, PM2

NM_000321.3(RB1):c.1470del (p.Glu492fs)

Gene: RB1 (RB transcriptional corepressor 1; plus strand). Cytogenetic location: 13q14.2.
Variant type: Deletion.
Coding change: c.1470del on transcript NM_000321.3 (MANE Select); coding-DNA position 1470, one base deleted (T; older notation c.1470delT).
Protein change: p.Glu492fs; shifts the reading frame from glutamic acid 492.
Molecular consequence: frameshift variant.
Genome position (GRCh38, 1-based): chr13:48,380,213, T deleted. VCF-style (leftmost placement, unchanged base first): chr13-48380212-CT-C. GRCh37 (hg19) VCF-style: chr13-48954348-CT-C.
Other names: c.1470del, p.Glu492fs (NM_001407165.1, NM_001407166.1); short protein forms E492fs.
Identifiers: ClinVar variation 3236995 (VCV003236995.1), dbSNP rs2542204736.